The following is an entry in ClinVar:

NM_004998.4(MYO1E):c.2984C>T (p.Pro995Leu)

Gene: MYO1E (myosin IE; minus strand). Cytogenetic location: 15q22.2.
Variant type: single nucleotide variant.
Coding change: c.2984C>T on transcript NM_004998.4 (MANE Select); coding-DNA position 2984, C replaced by T.
Protein change: p.Pro995Leu; replaces proline 995 with leucine.
Molecular consequence: missense variant.
Genome position (GRCh38, 1-based): chr15:59,153,686, G>A on the plus strand (C>T on the coding strand, the complement: MYO1E is on the minus strand). VCF-style: chr15-59153686-G-A. GRCh37 (hg19) VCF-style: chr15-59445885-G-A.
Other names: short protein forms P995L.
Identifiers: ClinVar variation 2165467 (VCV002165467.5), dbSNP rs138030093, ClinGen allele CA7589064.
Genomic context (GRCh38, chr15:59,153,686, plus strand): 5'-AGGCTCTCTGGCGTCTGTGACACTCGGTCTGAACTGGTAGACTGCTGCCGAGGCAAGGGC[G>A]GGCGGGCCATGGAGGTGTACAGGCTTTTCTGATTGGACCTCTGGCTTCCAGGAGCATGGG-3'
Protein context (NP_004989.2, residues 985-1005): QKSLYTSMAR[Pro995Leu]PLPRQQSTSS

ClinVar aggregate classification (germline): Uncertain significance. Review status: criteria provided, multiple submitters, no conflicts (2 of 4 stars). 2 submissions from 2 submitters: Uncertain significance (2). Last evaluated 2024-03-04.

Conditions:
Focal segmental glomerulosclerosis 6 (FSGS6). Identifiers: Orphanet 656, MedGen C3279905, MONDO:0013589, OMIM 614131.

Allele frequency attached by ClinVar (database versions not stated): gnomAD 0.00005; gnomAD exomes 0.00005; ExAC 0.00007; ESP Exome Variant Server 0.00008.
gnomAD v4.1: 86 of 1,614,078 alleles (0.0053%); highest among the groups gnomAD compares: Middle Eastern, 0.033%; 1 homozygote.

Submissions (2):

Fulgent Genetics
Classification: Uncertain significance for Focal segmental glomerulosclerosis 6. Last evaluated: 2024-03-04. Review status: criteria provided, single submitter. Criteria: ACMG Guidelines, 2015. Collection method: clinical testing. Allele origin: germline.

Labcorp Genetics (formerly Invitae), Labcorp
Classification: Uncertain significance. Last evaluated: 2022-04-07. Review status: criteria provided, single submitter. Criteria: Invitae Variant Classification Sherloc (09022015). Collection method: clinical testing. Allele origin: germline.
Comment: In summary, the available evidence is currently insufficient to determine the role of this variant in disease. Therefore, it has been classified as a Variant of Uncertain Significance. Algorithms developed to predict the effect of missense changes on protein structure and function are either unavailable or do not agree on the potential impact of this missense change (SIFT: "Deleterious"; PolyPhen-2: "Probably Damaging"; Align-GVGD: "Class C0"). This variant has not been reported in the literature in individuals affected with MYO1E-related conditions. This variant is present in population databases (rs138030093, gnomAD 0.03%). This sequence change replaces proline, which is neutral and non-polar, with leucine, which is neutral and non-polar, at codon 995 of the MYO1E protein (p.Pro995Leu).